The following is an entry in ClinVar:

ClinVar aggregate classification (germline): Uncertain significance. Review status: criteria provided, multiple submitters, no conflicts (2 of 4 stars). 2 submissions from 2 submitters: Uncertain significance (2). Last evaluated 2024-07-27.

Conditions:
Inborn genetic diseases. Identifiers: MedGen C0950123, MeSH D030342.
Inflammatory bowel disease 28. Also called: Inflammatory bowel disease 28, early onset, autosomal recessive. Identifiers: Orphanet 238569, MedGen C2751053, MONDO:0013153, OMIM 613148.

Allele frequency attached by ClinVar (database versions not stated): ExAC 0.00011; ESP Exome Variant Server 0.00016; TOPMed 0.00024.
gnomAD v4.1: 68 of 1,555,768 alleles (0.0044%); highest among the groups gnomAD compares: African/African-American, 0.085%; no homozygotes.

Submissions (2):

Labcorp Genetics (formerly Invitae), Labcorp
Classification: Uncertain significance for Inflammatory bowel disease 28. Last evaluated: 2024-07-27. Review status: criteria provided, single submitter. Criteria: Invitae Variant Classification Sherloc (09022015). Collection method: clinical testing. Allele origin: germline.
Comment: This sequence change replaces arginine, which is basic and polar, with proline, which is neutral and non-polar, at codon 16 of the IL10RA protein (p.Arg16Pro). This variant is present in population databases (rs75769905, gnomAD 0.1%). This variant has not been reported in the literature in individuals affected with IL10RA-related conditions. ClinVar contains an entry for this variant (Variation ID: 850656). Advanced modeling of protein sequence and biophysical properties (such as structural, functional, and spatial information, amino acid conservation, physicochemical variation, residue mobility, and thermodynamic stability) performed at Invitae indicates that this missense variant is not expected to disrupt IL10RA protein function with a negative predictive value of 80%. In summary, the available evidence is currently insufficient to determine the role of this variant in disease. Therefore, it has been classified as a Variant of Uncertain Significance.

Ambry Genetics
Classification: Uncertain significance for Inborn genetic diseases. Last evaluated: 2023-10-27. Review status: criteria provided, single submitter. Criteria: Ambry Variant Classification Scheme 2023. Collection method: clinical testing. Allele origin: germline.

NM_001558.4(IL10RA):c.47G>C (p.Arg16Pro)

Gene: IL10RA (interleukin 10 receptor subunit alpha; plus strand). Cytogenetic location: 11q23.3.
Variant type: single nucleotide variant.
Coding change: c.47G>C on transcript NM_001558.4 (MANE Select); coding-DNA position 47, G replaced by C.
Protein change: p.Arg16Pro; replaces arginine 16 with proline.
Molecular consequence: missense variant. On other transcripts: non-coding transcript variant (1).
Genome position (GRCh38, 1-based): chr11:117,986,514, G>C. VCF-style: chr11-117986514-G-C. GRCh37 (hg19) VCF-style: chr11-117857229-G-C.
Other names: short protein forms R16P.
Identifiers: ClinVar variation 850656 (VCV000850656.8), dbSNP rs75769905, ClinGen allele CA6298794.